The following is an entry in ClinVar:

ClinVar aggregate classification (germline): Uncertain significance (1 of 4 stars; one submission).

Conditions:
Cortical dysplasia-focal epilepsy syndrome (PTHSL1). Also called: Pitt-Hopkins-like syndrome 1. Identifiers: Orphanet 163681, Orphanet 221150, MedGen C2750246, MONDO:0012400, OMIM 610042.

Submission:

Labcorp Genetics (formerly Invitae), Labcorp
Classification: Uncertain significance for Cortical dysplasia-focal epilepsy syndrome. Last evaluated: 2022-09-19. Review status: criteria provided, single submitter. Criteria: Invitae Variant Classification Sherloc (09022015). Collection method: clinical testing. Allele origin: germline.
Comment: This variant is not present in population databases (gnomAD no frequency). This sequence change falls in intron 16 of the CNTNAP2 gene. It does not directly change the encoded amino acid sequence of the CNTNAP2 protein. This variant has not been reported in the literature in individuals affected with CNTNAP2-related conditions. Algorithms developed to predict the effect of sequence changes on RNA splicing suggest that this variant may disrupt the consensus splice site. In summary, the available evidence is currently insufficient to determine the role of this variant in disease. Therefore, it has been classified as a Variant of Uncertain Significance.

NM_014141.6(CNTNAP2):c.2554+7A>G

Gene: CNTNAP2 (contactin associated protein 2; plus strand). Cytogenetic location: 7q35.
Variant type: single nucleotide variant.
Coding change: c.2554+7A>G on transcript NM_014141.6 (MANE Select); 7 bases into the intron after coding-DNA position 2554, A replaced by G.
Molecular consequence: intron variant.
Genome position (GRCh38, 1-based): chr7:148,118,295, A>G. VCF-style: chr7-148118295-A-G. GRCh37 (hg19) VCF-style: chr7-147815387-A-G.
Identifiers: ClinVar variation 2104522 (VCV002104522.4), dbSNP rs2536538713, ClinGen allele CA2580077661.